The following is an entry in ClinVar:

ClinVar aggregate classification (germline): Conflicting classifications of pathogenicity. Review status: criteria provided, conflicting classifications (1 of 4 stars). 2 submissions from 2 submitters: Pathogenic (1); Uncertain significance (1). Last evaluated 2025-08-12.

Conditions:
Melanoma-pancreatic cancer syndrome. Identifiers: Orphanet 404560, MedGen C1838547, MONDO:0011713, OMIM 606719. Disease mechanism: loss of function.
Hereditary cancer-predisposing syndrome. Also called: Hereditary Cancer Syndrome; Hereditary neoplastic syndrome; Neoplastic Syndromes, Hereditary; Tumor predisposition. Identifiers: Orphanet 140162, MedGen C0027672, MeSH D009386, MONDO:0015356.

Allele frequency attached by ClinVar (database versions not stated): ExAC 0.00001.
gnomAD v4.1: 2 of 1,606,228 alleles (0.00012%); highest among the groups gnomAD compares: Non-Finnish European, 0.00017%; no homozygotes.

Submissions (2):

Myriad Genetics, Inc.
Classification: Pathogenic for Melanoma-pancreatic cancer syndrome. Last evaluated: 2025-08-12. Review status: criteria provided, single submitter. Criteria: Myriad Autosomal Dominant, Autosomal Recessive and X-Linked Classification Criteria (2023). Collection method: clinical testing. Allele origin: unknown.
Comment: This variant is considered pathogenic. This variant is located within the gene translation start codon (p.Met1?) and is predicted to result in abnormal protein translation.

Ambry Genetics
Classification: Uncertain significance for Hereditary cancer-predisposing syndrome. Last evaluated: 2023-09-12. Review status: criteria provided, single submitter. Criteria: Ambry Variant Classification Scheme 2023. Collection method: clinical testing. Allele origin: germline.
Comment: The p.M1? variant (also known as c.2T>C) is located in coding exon 1 of the CDKN2A (p14ARF) gene and results from a T to C substitution at nucleotide position two. This variant alters the methionine residue at the initiation codon (ATG). Variations that modify the initiation codon (ATG) are expected to result in either loss of translation initiation, N-terminal truncation, or cause a shift in the mRNA reading frame. However, loss of function has not been established as a mechanism of disease for the p14 isoform of CDKN2A. Since supporting evidence is limited at this time, the clinical significance of this alteration remains unclear.

NM_058195.4(CDKN2A):c.2T>C (p.Met1Thr)

Gene: CDKN2A (cyclin dependent kinase inhibitor 2A; minus strand). Cytogenetic location: 9p21.3.
Variant type: single nucleotide variant.
Coding change: c.2T>C on transcript NM_058195.4 (MANE Plus Clinical); coding-DNA position 2, T replaced by C.
Protein change: p.Met1Thr; changes the start codon (methionine 1).
Molecular consequence: missense variant, initiator codon variant. On other transcripts: intron variant (1).
Genome position (GRCh38, 1-based): chr9:21,994,330, A>G on the plus strand (T>C on the coding strand, the complement: CDKN2A is on the minus strand). VCF-style: chr9-21994330-A-G. GRCh37 (hg19) VCF-style: chr9-21994329-A-G.
Other names: c.-4+491T>C (NM_001363763.2); short protein forms M1T.
Identifiers: ClinVar variation 2625886 (VCV002625886.3), dbSNP rs759736526, ClinGen allele CA5012403.